The following is an entry in ClinVar:

ClinVar aggregate classification (germline): Conflicting classifications of pathogenicity. Review status: criteria provided, conflicting classifications (1 of 4 stars). 3 submissions from 3 submitters: Uncertain significance (1); Benign (1); Likely benign (1). Last evaluated 2025-06-09.

Conditions:
PDZD7-related disorder. Also called: PDZD7-related disorders; PDZD7-related condition.

Allele frequency attached by ClinVar (database versions not stated): gnomAD 0.00006 and 0.00017; TOPMed 0.00007; 1000 Genomes Project 30x 0.00125; 1000 Genomes Project 0.00160.
gnomAD v4.1: 548 of 1,614,182 alleles (0.034%); highest among the groups gnomAD compares: East Asian, 1.2%; 8 homozygotes.

Submissions (3):

PreventionGenetics, part of Exact Sciences
Classification: Likely benign for PDZD7-related condition. Last evaluated: 2025-06-09. Review status: criteria provided, single submitter. Criteria: ACMG Guidelines, 2015. Collection method: clinical testing. Allele origin: germline.
Comment: This variant is classified as likely benign based on ACMG/AMP sequence variant interpretation guidelines (Richards et al. 2015 PMID: 25741868, with internal and published modifications).

Labcorp Genetics (formerly Invitae), Labcorp
Classification: Uncertain significance. Last evaluated: 2023-08-17. Review status: criteria provided, single submitter. Criteria: Invitae Variant Classification Sherloc (09022015). Collection method: clinical testing. Allele origin: germline.
Comment: In summary, the available evidence is currently insufficient to determine the role of this variant in disease. Therefore, it has been classified as a Variant of Uncertain Significance. Advanced modeling of protein sequence and biophysical properties (such as structural, functional, and spatial information, amino acid conservation, physicochemical variation, residue mobility, and thermodynamic stability) performed at Invitae indicates that this missense variant is not expected to disrupt PDZD7 protein function. ClinVar contains an entry for this variant (Variation ID: 943621). This variant has not been reported in the literature in individuals affected with PDZD7-related conditions. This variant is present in population databases (rs118036804, gnomAD 0.2%). This sequence change replaces arginine, which is basic and polar, with glutamine, which is neutral and polar, at codon 49 of the PDZD7 protein (p.Arg49Gln).

Blueprint Genetics
Classification: Benign. Last evaluated: 2022-11-15. Review status: criteria provided, single submitter. Criteria: ACMG Guidelines, 2015. Collection method: clinical testing. Allele origin: germline.

NM_001195263.2(PDZD7):c.146G>A (p.Arg49Gln)

Gene: PDZD7 (PDZ domain containing 7; minus strand). Cytogenetic location: 10q24.31.
Variant type: single nucleotide variant.
Coding change: c.146G>A on transcript NM_001195263.2 (MANE Select); coding-DNA position 146, G replaced by A.
Protein change: p.Arg49Gln; replaces arginine 49 with glutamine.
Molecular consequence: missense variant.
Genome position (GRCh38, 1-based): chr10:101,030,074, C>T on the plus strand (G>A on the coding strand, the complement: PDZD7 is on the minus strand). VCF-style: chr10-101030074-C-T. GRCh37 (hg19) VCF-style: chr10-102789831-C-T.
Other names: c.146G>A, p.Arg49Gln (NM_001351044.2, NM_024895.5); short protein forms R49Q.
Identifiers: ClinVar variation 943621 (VCV000943621.8), dbSNP rs118036804, ClinGen allele CA5654505.